The following is an entry in ClinVar:

NM_030782.5(CLPTM1L):c.797-10dup

Gene: CLPTM1L (CLPTM1 like). Cytogenetic location: 5p15.33.
Variant type: Duplication.
Coding change: c.797-10dup on transcript NM_030782.5 (MANE Select); 10 bases into the intron before coding-DNA position 797, one base duplicated.
Molecular consequence: intron variant.
Genome position: GRCh38 VCF-style: chr5-1334392-G-GA. GRCh37 (hg19) VCF-style: chr5-1334507-G-GA.
Identifiers: ClinVar variation 3035090 (VCV003035090.2), dbSNP rs5865369, ClinGen allele CA3185460.

ClinVar aggregate classification (germline): Likely benign (0 of 4 stars; one submission).

Conditions:
CLPTM1L-related disorder. Also called: CLPTM1L-related condition.

Submission:

PreventionGenetics, part of Exact Sciences
Classification: Likely benign for CLPTM1L-related condition. Last evaluated: 2019-02-22. Review status: no assertion criteria provided. Collection method: clinical testing. Allele origin: germline.
Comment: This variant is classified as likely benign based on ACMG/AMP sequence variant interpretation guidelines (Richards et al. 2015 PMID: 25741868, with internal and published modifications).